The following is an entry in ClinVar:

NM_004387.4(NKX2-5):c.100T>C (p.Ser34Pro)

Gene: NKX2-5 (NK2 homeobox 5; minus strand). Cytogenetic location: 5q35.1.
Variant type: single nucleotide variant.
Coding change: c.100T>C on transcript NM_004387.4 (MANE Select); coding-DNA position 100, T replaced by C.
Protein change: p.Ser34Pro; replaces serine 34 with proline.
Molecular consequence: missense variant.
Genome position (GRCh38, 1-based): chr5:173,234,984, A>G on the plus strand (T>C on the coding strand, the complement: NKX2-5 is on the minus strand). VCF-style: chr5-173234984-A-G. GRCh37 (hg19) VCF-style: chr5-172661987-A-G.
Other names: c.100T>C, p.Ser34Pro (NM_001166175.2, NM_001166176.2); short protein forms S34P.
Identifiers: ClinVar variation 1798432 (VCV001798432.2), dbSNP rs2480080381, ClinGen allele CA362163687.
Genomic context (GRCh38, chr5:173,234,984, plus strand): 5'-CTGGCTTGAAGGCGGCCAGCATGCAGGAGGAGGGCGCCAGGGTCGCCTCCAGGCGGGCAG[A>G]GAGCTCTCCGGCGGCAGCCAGGCTGCGCTGCTGCTGTTCCAGGTTTAGGATGTCTTTGAC-3'
Protein context (NP_004378.1, residues 24-44): QRSLAAAGEL[Ser34Pro]ARLEATLAPS

ClinVar aggregate classification (germline): Uncertain significance (1 of 4 stars; one submission).

Conditions:
Cardiovascular phenotype. Identifiers: MedGen CN230736.

Submission:

Ambry Genetics
Classification: Uncertain significance for Cardiovascular phenotype. Last evaluated: 2020-12-10. Review status: criteria provided, single submitter. Criteria: Ambry Variant Classification Scheme 2023. Collection method: clinical testing. Allele origin: germline.
Comment: The p.S34P variant (also known as c.100T>C), located in coding exon 1 of the NKX2-5 gene, results from a T to C substitution at nucleotide position 100. The serine at codon 34 is replaced by proline, an amino acid with similar properties. This amino acid position is not well conserved in available vertebrate species, and proline is the reference amino acid in other vertebrate species. In addition, this alteration is predicted to be tolerated by in silico analysis. Since supporting evidence is limited at this time, the clinical significance of this alteration remains unclear.